The following is an entry in ClinVar:

ClinVar aggregate classification (germline): Uncertain significance (1 of 4 stars; one submission).

Conditions:
Dilated cardiomyopathy 1G (CMD1G). Identifiers: Orphanet 154, MedGen C1858763, MONDO:0011400, OMIM 604145.
Autosomal recessive limb-girdle muscular dystrophy type 2J (LGMDR10). Also called: Limb-girdle muscular dystrophy, type 2J; MUSCULAR DYSTROPHY, LIMB-GIRDLE, AUTOSOMAL RECESSIVE 10. Identifiers: Orphanet 140922, MedGen C1837342, MONDO:0012127, OMIM 608807.

gnomAD v4.1: 1 of 1,613,930 alleles (0.000062%); highest among the groups gnomAD compares: African/African-American, 0.0013%; no homozygotes.

Submission:

Labcorp Genetics (formerly Invitae), Labcorp
Classification: Uncertain significance for Dilated cardiomyopathy 1G; Autosomal recessive limb-girdle muscular dystrophy type 2J. Last evaluated: 2021-12-29. Review status: criteria provided, single submitter. Criteria: Invitae Variant Classification Sherloc (09022015). Collection method: clinical testing. Allele origin: germline.
Comment: This variant is located in the M band of TTN (PMID: 25589632). Variants in this region may be relevant for neuromuscular disorders, but have not been definitively shown to cause cardiomyopathy (PMID: 23975875). In summary, the available evidence is currently insufficient to determine the role of this variant in disease. Therefore, it has been classified as a Variant of Uncertain Significance. Experimental studies and prediction algorithms are not available or were not evaluated, and the functional significance of this variant is currently unknown. This variant has not been reported in the literature in individuals affected with TTN-related conditions. This variant is not present in population databases (gnomAD no frequency). This sequence change replaces serine, which is neutral and polar, with isoleucine, which is neutral and non-polar, at codon 35882 of the TTN protein (p.Ser35882Ile).

Literature cited by the submitters: PubMed 25589632; PubMed 23975875.

NM_001267550.2(TTN):c.107645G>T (p.Ser35882Ile)

Genes: TTN (titin; minus strand), TTN-AS1 (TTN antisense RNA 1; plus strand). Cytogenetic location: 2q31.2.
Variant type: single nucleotide variant.
Coding change: c.107645G>T on transcript NM_001267550.2 (MANE Select); coding-DNA position 107645, G replaced by T.
Protein change: p.Ser35882Ile; replaces serine 35882 with isoleucine.
Molecular consequence: missense variant.
Genome position (GRCh38, 1-based): chr2:178,527,481, C>A on the plus strand (G>T on the coding strand, the complement: TTN is on the minus strand). VCF-style: chr2-178527481-C-A. GRCh37 (hg19) VCF-style: chr2-179392208-C-A.
Other names: c.102722G>T, p.Ser34241Ile (NM_001256850.1); c.80450G>T, p.Ser26817Ile (NM_003319.4); c.99941G>T, p.Ser33314Ile (NM_133378.4); c.80825G>T, p.Ser26942Ile (NM_133432.3); c.81026G>T, p.Ser27009Ile (NM_133437.4); short protein forms S35882I, S26817I, S33314I, S34241I, S26942I, S27009I.
Identifiers: ClinVar variation 2065764 (VCV002065764.4), dbSNP rs1558958100, ClinGen allele CA349399826.